The following is an entry in ClinVar:

NM_017654.4(SAMD9):c.2845G>T (p.Ala949Ser)

Gene: SAMD9 (sterile alpha motif domain containing 9; minus strand). Cytogenetic location: 7q21.2.
Variant type: single nucleotide variant.
Coding change: c.2845G>T on transcript NM_017654.4 (MANE Select); coding-DNA position 2845, G replaced by T.
Protein change: p.Ala949Ser; replaces alanine 949 with serine.
Molecular consequence: missense variant.
Genome position (GRCh38, 1-based): chr7:93,103,253, C>A on the plus strand (G>T on the coding strand, the complement: SAMD9 is on the minus strand). VCF-style: chr7-93103253-C-A. GRCh37 (hg19) VCF-style: chr7-92732566-C-A.
Other names: c.2845G>T, p.Ala949Ser (NM_001193307.2); short protein forms A949S.
Identifiers: ClinVar variation 1196482 (VCV001196482.30), dbSNP rs151038564, ClinGen allele CA4342778.

ClinVar aggregate classification (germline): Conflicting classifications of pathogenicity. Review status: criteria provided, conflicting classifications (1 of 4 stars). 6 submissions from 6 submitters: Uncertain significance (2); Likely benign (3). 1 of the submissions does not count toward it. Last evaluated 2026-01-26.

Conditions:
SAMD9-related disorder. Also called: SAMD9-related condition.

Allele frequency attached by ClinVar (database versions not stated): ESP Exome Variant Server 0.00008; 1000 Genomes Project 30x 0.00031; gnomAD 0.00033; 1000 Genomes Project 0.00040.

Submissions (6):

Labcorp Genetics (formerly Invitae), Labcorp
Classification: Likely benign. Last evaluated: 2026-01-26. Review status: criteria provided, single submitter. Criteria: Invitae Variant Classification Sherloc (09022015). Collection method: clinical testing. Allele origin: germline.

Blueprint Genetics
Classification: Likely benign. Last evaluated: 2024-11-26. Review status: criteria provided, single submitter. Criteria: ACMG Guidelines, 2015. Collection method: clinical testing. Allele origin: germline.

CeGaT Center for Human Genetics Tuebingen
Classification: Uncertain significance. Last evaluated: 2024-11-01. Review status: criteria provided, single submitter. Criteria: CeGaT Center For Human Genetics Tuebingen Variant Classification Criteria Version 2. Collection method: clinical testing. Allele origin: germline. Affected: yes. Observed: 1 variant allele.
Comment: SAMD9: PM2, BP4

GeneDx
Classification: Likely benign. Last evaluated: 2021-04-15. Review status: criteria provided, single submitter. Criteria: GeneDx Variant Classification Process June 2021. Collection method: clinical testing. Allele origin: germline. Affected: yes.
Comment: In silico analysis, which includes protein predictors and evolutionary conservation, supports that this variant does not alter protein structure/function; Observed in individuals with hematologic disease as well as unaffected controls (Nagata 2018); This variant is associated with the following publications: (PMID: 30322869)

Genetic Services Laboratory, University of Chicago
Classification: Uncertain significance. Last evaluated: 2021-04-08. Review status: criteria provided, single submitter. Criteria: ACMG Guidelines, 2015. Collection method: clinical testing. Allele origin: germline. Affected: no.
Comment: DNA sequence analysis of the SAMD9 gene demonstrated a sequence change, c.2845G>T, in exon 3 that results in an amino acid change, p.Ala949Ser. This sequence change has been described in gnomAD with a frequency of 0.43% in the Ashkenazi Jewish sub-population (dbSNP rs151038564). The p.Ala949Ser change affects a moderately conserved amino acid residue located in a domain of the SAMD9 protein that is not known to be functional. The p.Ala949Ser substitution appears to be benign using several in-silico pathogenicity prediction tools (SIFT, PolyPhen2, Align GVGD, REVEL). This sequence change has been reported in one individual with myeloid leukemia (PMID:30322869). Due to the lack of sufficient evidences, the clinical significance of the p.Ala949Ser change remains unknown at this time.

PreventionGenetics, part of Exact Sciences
Classification: Likely benign for SAMD9-related condition. Last evaluated: 2024-05-28. Review status: no assertion criteria provided. Collection method: clinical testing. Allele origin: germline. Not counted in ClinVar's aggregate classification.
Comment: This variant is classified as likely benign based on ACMG/AMP sequence variant interpretation guidelines (Richards et al. 2015 PMID: 25741868, with internal and published modifications).